The following is an entry in ClinVar:

NM_000593.6(TAP1):c.1217_1218del (p.Val406fs)

Gene: TAP1 (transporter 1, ATP binding cassette subfamily B member; minus strand). Cytogenetic location: 6p21.32.
Variant type: Microsatellite.
Coding change: c.1217_1218del on transcript NM_000593.6 (MANE Select); coding-DNA positions 1217 to 1218, 2 bases deleted (TG; older notation c.1217_1218delTG).
Protein change: p.Val406fs; shifts the reading frame from valine 406.
Molecular consequence: frameshift variant.
Genome position (GRCh38, 1-based): chr6:32,850,350-32,850,351, CA deleted on the plus strand (TG on the coding strand, the reverse complement: TAP1 is on the minus strand); deleting any 2 consecutive bases within chr6:32,850,350-32,850,353 gives the same sequence; the c. name uses the placement nearest the transcript's 3' end. VCF-style (leftmost placement, unchanged base first): chr6-32850349-CCA-C. GRCh37 (hg19) VCF-style: chr6-32818126-CCA-C.
Other names: c.614_615del, p.Val205fs (NM_001292022.2); short protein forms V205fs, V406fs.
Identifiers: ClinVar variation 2705098 (VCV002705098.3), dbSNP rs2483162654, ClinGen allele CA2697553228.
Genomic context (GRCh38, chr6:32,850,349, plus strand): 5'-AGGGAATGGGTATTCATCTTCAGGTGCTCACACTAGTGGTCCAGGAGTTGACTGCATAGG[CCA>C]CAGCCTCCTTCTGGTTGAGTGTCTTTATTTCTTGCAGCTTTTCCCTAAACTTCTGGGCTT-3'

ClinVar aggregate classification (germline): Pathogenic (1 of 4 stars; one submission).

Conditions:
MHC class I deficiency. Identifiers: Orphanet 34592, MedGen C6024714, MONDO:0011476.

Submission:

Labcorp Genetics (formerly Invitae), Labcorp
Classification: Pathogenic for MHC class I deficiency 1. Last evaluated: 2023-12-23. Review status: criteria provided, single submitter. Criteria: Invitae Variant Classification Sherloc (09022015). Collection method: clinical testing. Allele origin: germline.
Comment: This sequence change creates a premature translational stop signal (p.Val466Glyfs*10) in the TAP1 gene. It is expected to result in an absent or disrupted protein product. Loss-of-function variants in TAP1 are known to be pathogenic (PMID: 10074494, 10074495). This variant is not present in population databases (gnomAD no frequency). This variant has not been reported in the literature in individuals affected with TAP1-related conditions. For these reasons, this variant has been classified as Pathogenic.

Literature cited by the submitters: PubMed 10074494; PubMed 10074495.